The following is an entry in ClinVar:

NM_020806.5(GPHN):c.1984G>T (p.Val662Leu)

Genes: GPHN (gephyrin; plus strand), LOC126861970 (MED14-independent group 3 enhancer GRCh37_chr14:67634697-67635896; plus strand). Cytogenetic location: 14q23.3.
Variant type: single nucleotide variant.
Coding change: c.1984G>T on transcript NM_020806.5 (MANE Select); coding-DNA position 1984, G replaced by T.
Protein change: p.Val662Leu; replaces valine 662 with leucine.
Molecular consequence: missense variant.
Genome position (GRCh38, 1-based): chr14:67,168,941, G>T. VCF-style: chr14-67168941-G-T. GRCh37 (hg19) VCF-style: chr14-67635658-G-T.
Other names: c.1885G>T, p.Val629Leu (NM_001024218.2); c.2044G>T, p.Val682Leu (NM_001377514.1); c.2014G>T, p.Val672Leu (NM_001377515.1); c.2005G>T, p.Val669Leu (NM_001377516.1); c.1957G>T, p.Val653Leu (NM_001377517.1); c.1942G>T, p.Val648Leu (NM_001377518.1); c.1924G>T, p.Val642Leu (NM_001377519.1); short protein forms V648L, V672L, V629L, V642L, V682L, V653L, V662L, V669L.
Identifiers: ClinVar variation 2756803 (VCV002756803.3), dbSNP rs2544303333, ClinGen allele CA390121919.
Genomic context (GRCh38, chr14:67,168,941, plus strand): 5'-TTGGCAAATTGTTACACAGTGTATTATAAATAACTGCTTGGTTGACTTTCAGGGAATCCT[G>T]TATCGGCTGTGGTCACCTGCAATCTCTTTGTTGTGCCTGCACTGAGGAAAATGCAGGGCA-3'
Protein context (NP_065857.1, residues 652-672): KIIFALPGNP[Val662Leu]SAVVTCNLFV

ClinVar aggregate classification (germline): Uncertain significance (1 of 4 stars; one submission).

Conditions:
Sulfite oxidase deficiency due to molybdenum cofactor deficiency type C. Also called: Molybdenum cofactor deficiency, complementation group C; Molybdenum cofactor deficiency C. Identifiers: Orphanet 308400, Orphanet 833, MedGen C1854990, MONDO:0014212, OMIM 615501.

Allele frequency attached by ClinVar (database versions not stated): gnomAD exomes below 0.00001.
gnomAD v4.1: 4 of 1,606,560 alleles (0.00025%); highest among the groups gnomAD compares: South Asian, 0.0044%; no homozygotes.

Submission:

Labcorp Genetics (formerly Invitae), Labcorp
Classification: Uncertain significance for Sulfite oxidase deficiency due to molybdenum cofactor deficiency type C. Last evaluated: 2023-08-30. Review status: criteria provided, single submitter. Criteria: Invitae Variant Classification Sherloc (09022015). Collection method: clinical testing. Allele origin: germline.
Comment: This sequence change replaces valine, which is neutral and non-polar, with leucine, which is neutral and non-polar, at codon 662 of the GPHN protein (p.Val662Leu). This variant is not present in population databases (gnomAD no frequency). This variant has not been reported in the literature in individuals affected with GPHN-related conditions. Advanced modeling of protein sequence and biophysical properties (such as structural, functional, and spatial information, amino acid conservation, physicochemical variation, residue mobility, and thermodynamic stability) performed at Invitae indicates that this missense variant is expected to disrupt GPHN protein function. In summary, the available evidence is currently insufficient to determine the role of this variant in disease. Therefore, it has been classified as a Variant of Uncertain Significance.